The following is an entry in ClinVar:

NM_001281775.3(ZMYND8):c.655G>C (p.Glu219Gln)

Gene: ZMYND8 (zinc finger MYND-type containing 8; minus strand). Cytogenetic location: 20q13.12.
Variant type: single nucleotide variant.
Coding change: c.655G>C on transcript NM_001281775.3 (MANE Select); coding-DNA position 655, G replaced by C.
Protein change: p.Glu219Gln; replaces glutamic acid 219 with glutamine.
Molecular consequence: missense variant. On other transcripts: 5 prime UTR variant (2).
Genome position (GRCh38, 1-based): chr20:47,291,801, C>G on the plus strand (G>C on the coding strand, the complement: ZMYND8 is on the minus strand). VCF-style: chr20-47291801-C-G. GRCh37 (hg19) VCF-style: chr20-45920545-C-G.
Other names: c.580G>C, p.Glu194Gln (NM_001281771.3, NM_001281777.3, NM_001281778.3 and 4 more transcripts); c.595G>C, p.Glu199Gln (NM_001281772.3, NM_001281773.3, NM_001281774.3 and 1 more transcripts); c.655G>C, p.Glu219Gln (NM_001281776.3, NM_001281783.3, NM_012408.6 and 1 more transcripts); c.-281G>C (NM_001281779.3, NM_001281780.3); c.676G>C, p.Glu226Gln (NM_001363714.1); short protein forms E194Q, E199Q, E219Q, E226Q.
Identifiers: ClinVar variation 4530705 (VCV004530705.1).

ClinVar aggregate classification (germline): Uncertain significance (1 of 4 stars; one submission).

Submission:

GeneDx
Classification: Uncertain significance. Last evaluated: 2025-05-24. Review status: criteria provided, single submitter. Criteria: GeneDx Variant Classification Process June 2021. Collection method: clinical testing. Allele origin: germline. Affected: yes.
Comment: Not observed at significant frequency in large population cohorts (gnomAD); In silico analysis supports that this missense variant has a deleterious effect on protein structure/function; Has not been previously published as pathogenic or benign to our knowledge